The following is an entry in ClinVar:

NM_005343.4(HRAS):c.451-3C>T

Genes: HRAS (HRas proto-oncogene, GTPase; minus strand), LRRC56 (leucine rich repeat containing 56; plus strand). Cytogenetic location: 11p15.5.
Variant type: single nucleotide variant.
Coding change: c.451-3C>T on transcript NM_005343.4 (MANE Select); 3 bases into the intron before coding-DNA position 451, C replaced by T.
Molecular consequence: intron variant.
Genome position (GRCh38, 1-based): chr11:532,758, G>A on the plus strand (C>T on the coding strand, the complement: HRAS is on the minus strand). VCF-style: chr11-532758-G-A. GRCh37 (hg19) VCF-style: chr11-532758-G-A.
Other names: c.451-3C>T (NM_001130442.3); c.214-3C>T (NM_001318054.2); c.*20-3C>T (NM_176795.5).
Identifiers: ClinVar variation 648589 (VCV000648589.11), dbSNP rs1158205210, ClinGen allele CA596781608.
Genomic context (GRCh38, chr11:532,758, plus strand): 5'-TCCGCAGCTTGTGCTGCCGGATCTCACGCACCAACGTGTAGAAGGCATCCTCCACTCCCT[G>A]GGAAAGGAGGGATGGGATCAGGAGGGACCGGCCTGTGGCCGCCTGCCTGGGTGAGGGGCT-3'

ClinVar aggregate classification (germline): Uncertain significance. Review status: criteria provided, multiple submitters, no conflicts (2 of 4 stars). 2 submissions from 2 submitters: Uncertain significance (2). Last evaluated 2025-04-07.

Conditions:
Costello syndrome (CSTLO). Also called: FACIOCUTANEOSKELETAL SYNDROME; FCS SYNDROME; HRAS-Related Costello Syndrome. Identifiers: Orphanet 3071, MedGen C0587248, MONDO:0009026, OMIM 218040.

Allele frequency attached by ClinVar (database versions not stated): TOPMed below 0.00001; gnomAD 0.00001.
gnomAD v4.1: 2 of 1,612,182 alleles (0.00012%); highest among the groups gnomAD compares: Non-Finnish European, 0.00017%; no homozygotes.

Submissions (2):

Women's Health and Genetics/Laboratory Corporation of America, LabCorp
Classification: Uncertain significance. Last evaluated: 2025-04-07. Review status: criteria provided, single submitter. Criteria: LabCorp Variant Classification Summary - May 2015. Collection method: clinical testing. Allele origin: germline.

Labcorp Genetics (formerly Invitae), Labcorp
Classification: Uncertain significance for Costello syndrome. Last evaluated: 2024-05-07. Review status: criteria provided, single submitter. Criteria: Invitae Variant Classification Sherloc (09022015). Collection method: clinical testing. Allele origin: germline.
Comment: This sequence change falls in intron 4 of the HRAS gene. It does not directly change the encoded amino acid sequence of the HRAS protein. It affects a nucleotide within the consensus splice site. This variant is present in population databases (no rsID available, gnomAD 0.007%). This variant has not been reported in the literature in individuals affected with HRAS-related conditions. ClinVar contains an entry for this variant (Variation ID: 648589). Variants that disrupt the consensus splice site are a relatively common cause of aberrant splicing (PMID: 17576681, 9536098). Algorithms developed to predict the effect of sequence changes on RNA splicing suggest that this variant is not likely to affect RNA splicing. In summary, the available evidence is currently insufficient to determine the role of this variant in disease. Therefore, it has been classified as a Variant of Uncertain Significance.

Literature cited by the submitters: PubMed 17576681 (cited by Labcorp Genetics (formerly Invitae), Labcorp); PubMed 9536098 (cited by Labcorp Genetics (formerly Invitae), Labcorp).